The following is an entry in ClinVar:

ClinVar aggregate classification (germline): Uncertain significance (1 of 4 stars; one submission).

Conditions:
Syndromic multisystem autoimmune disease due to ITCH deficiency. Also called: AUTOIMMUNE DISEASE, MULTISYSTEM, WITH FACIAL DYSMORPHISM. Identifiers: Orphanet 228426, MedGen C3150649, MONDO:0013245, OMIM 613385.

Allele frequency attached by ClinVar (database versions not stated): gnomAD exomes below 0.00001; TOPMed below 0.00001; ExAC 0.00001.
gnomAD v4.1: 1 of 1,613,052 alleles (0.000062%); highest among the groups gnomAD compares: Non-Finnish European, 0.000085%; no homozygotes.

Submission:

Labcorp Genetics (formerly Invitae), Labcorp
Classification: Uncertain significance for Syndromic multisystem autoimmune disease due to ITCH deficiency. Last evaluated: 2021-12-20. Review status: criteria provided, single submitter. Criteria: Invitae Variant Classification Sherloc (09022015). Collection method: clinical testing. Allele origin: germline.
Comment: This sequence change replaces alanine, which is neutral and non-polar, with valine, which is neutral and non-polar, at codon 235 of the ITCH protein (p.Ala235Val). This variant is present in population databases (rs755622231, gnomAD 0.0009%). This variant has not been reported in the literature in individuals affected with ITCH-related conditions. Algorithms developed to predict the effect of missense changes on protein structure and function are either unavailable or do not agree on the potential impact of this missense change (SIFT: "Not Available"; PolyPhen-2: "Benign"; Align-GVGD: "Not Available"). In summary, the available evidence is currently insufficient to determine the role of this variant in disease. Therefore, it has been classified as a Variant of Uncertain Significance.

NM_031483.7(ITCH):c.704C>T (p.Ala235Val)

Gene: ITCH (itchy E3 ubiquitin protein ligase; plus strand). Cytogenetic location: 20q11.22.
Variant type: single nucleotide variant.
Coding change: c.704C>T on transcript NM_031483.7 (MANE Select); coding-DNA position 704, C replaced by T.
Protein change: p.Ala235Val; replaces alanine 235 with valine.
Molecular consequence: missense variant.
Genome position (GRCh38, 1-based): chr20:34,440,179, C>T. VCF-style: chr20-34440179-C-T. GRCh37 (hg19) VCF-style: chr20-33027984-C-T.
Other names: c.827C>T, p.Ala276Val (NM_001324197.2, NM_001257137.3); c.704C>T, p.Ala235Val (NM_001324198.2); c.374C>T, p.Ala125Val (NM_001257138.3); short protein forms A276V, A235V, A125V.
Identifiers: ClinVar variation 2046548 (VCV002046548.4), dbSNP rs755622231, ClinGen allele CA9821418.